The following is an entry in ClinVar:

NM_005562.3(LAMC2):c.2341G>T (p.Glu781Ter)

Gene: LAMC2 (laminin subunit gamma 2; plus strand). Cytogenetic location: 1q25.3.
Variant type: single nucleotide variant.
Coding change: c.2341G>T on transcript NM_005562.3 (MANE Select); coding-DNA position 2341, G replaced by T.
Protein change: p.Glu781Ter; replaces glutamic acid 781 with a stop codon.
Molecular consequence: nonsense.
Genome position (GRCh38, 1-based): chr1:183,235,615, G>T. VCF-style: chr1-183235615-G-T. GRCh37 (hg19) VCF-style: chr1-183204750-G-T.
Other names: c.2341G>T, p.Glu781Ter (NM_018891.3); short protein forms E781*.
Identifiers: ClinVar variation 943199 (VCV000943199.7), dbSNP rs1659930803, ClinGen allele CA343694942.
Genomic context (GRCh38, chr1:183,235,615, plus strand): 5'-TTTGTTTTTAATCCTTTCAGCCACGTTGAGTCAGCCAGTAACATGGAGCAACTGACAAGG[G>T]AAACTGAGGACTATTCCAAACAAGCCCTCTCACTGGTGCGCAAGGCCCTGCATGAAGGAG-3'

ClinVar aggregate classification (germline): Pathogenic (1 of 4 stars; one submission).

Submission:

Labcorp Genetics (formerly Invitae), Labcorp
Classification: Pathogenic. Last evaluated: 2019-08-25. Review status: criteria provided, single submitter. Criteria: Invitae Variant Classification Sherloc (09022015). Collection method: clinical testing. Allele origin: germline.
Comment: This variant has not been reported in the literature in individuals with LAMC2-related conditions. For these reasons, this variant has been classified as Pathogenic. Loss-of-function variants in LAMC2 are known to be pathogenic (PMID: 11907499, 16473856). Algorithms developed to predict the effect of sequence changes on RNA splicing suggest that this variant may create or strengthen a splice site, but this prediction has not been confirmed by published transcriptional studies. This variant is not present in population databases (ExAC no frequency). This sequence change creates a premature translational stop signal (p.Glu781*) in the LAMC2 gene. It is expected to result in an absent or disrupted protein product.

Literature cited by the submitters: PubMed 11907499; PubMed 16473856.